The following is an entry in ClinVar:

ClinVar aggregate classification (germline): Uncertain significance (1 of 4 stars; one submission).

Conditions:
Cystic fibrosis (CF). Also called: MUCOVISCIDOSIS. Identifiers: Orphanet 586, MedGen C0010674, MONDO:0009061, OMIM 219700. Disease mechanism: loss of function.

Submission:

Labcorp Genetics (formerly Invitae), Labcorp
Classification: Uncertain significance for Cystic fibrosis. Last evaluated: 2023-08-03. Review status: criteria provided, single submitter. Criteria: Invitae Variant Classification Sherloc (09022015). Collection method: clinical testing. Allele origin: germline.
Comment: Variants that disrupt the consensus splice site are a relatively common cause of aberrant splicing (PMID: 17576681, 9536098). Algorithms developed to predict the effect of sequence changes on RNA splicing suggest that this variant may disrupt the consensus splice site. In summary, the available evidence is currently insufficient to determine the role of this variant in disease. Therefore, it has been classified as a Variant of Uncertain Significance. This variant has not been reported in the literature in individuals affected with CFTR-related conditions. This variant is not present in population databases (gnomAD no frequency). This sequence change falls in intron 17 of the CFTR gene. It does not directly change the encoded amino acid sequence of the CFTR protein. It affects a nucleotide within the consensus splice site.

Literature cited by the submitters: PubMed 17576681; PubMed 9536098.

NM_000492.4(CFTR):c.2908+3_2908+14del

Gene: CFTR (CF transmembrane conductance regulator; plus strand). Cytogenetic location: 7q31.2.
Variant type: Deletion.
Coding change: c.2908+3_2908+14del on transcript NM_000492.4 (MANE Select); bases 3 to 14 of the intron after coding-DNA position 2908, 12 bases deleted (ACTTTACTAGGT).
Molecular consequence: splice donor variant.
Genome position (GRCh38, 1-based): chr7:117,603,785-117,603,796, ACTTTACTAGGT deleted; deleting any 12 consecutive bases within chr7:117,603,781-117,603,796 gives the same sequence; the c. name uses the placement nearest the transcript's 3' end. VCF-style (leftmost placement, unchanged base first): chr7-117603780-CAGGTACTTTACT-C. GRCh37 (hg19) VCF-style: chr7-117243834-CAGGTACTTTACT-C.
Identifiers: ClinVar variation 2749649 (VCV002749649.3), dbSNP rs2485122518, ClinGen allele CA2697557582.